The following is an entry in ClinVar:

ClinVar aggregate classification (germline): Uncertain significance (1 of 4 stars; one submission).

Conditions:
Hereditary cancer-predisposing syndrome. Also called: Neoplastic Syndromes, Hereditary; Tumor predisposition; Hereditary neoplastic syndrome; Hereditary Cancer Syndrome. Identifiers: Orphanet 140162, MedGen C0027672, MeSH D009386, MONDO:0015356.

Submission:

Ambry Genetics
Classification: Uncertain significance for Hereditary cancer-predisposing syndrome. Last evaluated: 2026-08-09. Review status: criteria provided, single submitter. Criteria: Ambry Variant Classification Scheme 2023. Collection method: clinical testing. Allele origin: germline.
Comment: The p.K1029E variant (also known as c.3085A>G), located in coding exon 21 of the SMARCA4 gene, results from an A to G substitution at nucleotide position 3085. The lysine at codon 1029 is replaced by glutamic acid, an amino acid with similar properties. This amino acid position is conserved. In addition, this alteration is predicted to be deleterious by in silico analysis. Based on the available evidence, the clinical significance of this variant remains unclear.

NM_003072.5(SMARCA4):c.3085A>G (p.Lys1029Glu)

Gene: SMARCA4 (SWI/SNF related BAF chromatin remodeling complex subunit ATPase 4; plus strand). Cytogenetic location: 19p13.2.
Variant type: single nucleotide variant.
Coding change: c.3085A>G on transcript NM_003072.5 (MANE Select); coding-DNA position 3085, A replaced by G.
Protein change: p.Lys1029Glu; replaces lysine 1029 with glutamic acid.
Molecular consequence: missense variant. On other transcripts: non-coding transcript variant (1).
Genome position (GRCh38, 1-based): chr19:11,025,425, A>G. VCF-style: chr19-11025425-A-G. GRCh37 (hg19) VCF-style: chr19-11136101-A-G.
Other names: c.3085A>G, p.Lys1029Glu (NM_001128844.3, NM_001128845.2, NM_001128846.2 and 6 more transcripts); short protein forms K1029E.
Identifiers: ClinVar variation 5029876 (VCV005029876.1).